The following is an entry in ClinVar:

ClinVar aggregate classification (germline): Conflicting classifications of pathogenicity. Review status: criteria provided, conflicting classifications (1 of 4 stars). 7 submissions from 7 submitters: Uncertain significance (4); Likely benign (3). Last evaluated 2026-05-01.

Conditions:
Dyskeratosis congenita, autosomal recessive 6 (DKCB6). Identifiers: MedGen C4225356, MONDO:0014600, OMIM 616353.
Pulmonary fibrosis and/or bone marrow failure, Telomere-related, 4. Also called: PULMONARY FIBROSIS AND/OR BONE MARROW FAILURE SYNDROME, TELOMERE-RELATED, 4. Identifiers: Orphanet 2032, MedGen C4225347, MONDO:0014612, OMIM 616371.
Primary ciliary dyskinesia 20. Also called: CILIARY DYSKINESIA, PRIMARY, 20, WITH OR WITHOUT SITUS INVERSUS. Identifiers: Orphanet 244, MedGen C3540844, MONDO:0014030, OMIM 615067.

Allele frequency attached by ClinVar (database versions not stated): TOPMed 0.00019; gnomAD exomes 0.00027; gnomAD 0.00036 and 0.00038; ExAC 0.00037; ESP Exome Variant Server 0.00050.
gnomAD v4.1: 433 of 1,604,418 alleles (0.027%); highest among the groups gnomAD compares: Non-Finnish European, 0.033%; 1 homozygote.

Submissions (7):

CeGaT Center for Human Genetics Tuebingen
Classification: Likely benign. Last evaluated: 2026-05-01. Review status: criteria provided, single submitter. Criteria: CeGaT Center For Human Genetics Tuebingen Variant Classification Criteria Version 2. Collection method: clinical testing. Allele origin: germline. Affected: yes. Observed: 3 variant alleles.
Comment: PARN: BP4

Labcorp Genetics (formerly Invitae), Labcorp
Classification: Uncertain significance for Dyskeratosis congenita, autosomal recessive 6; Pulmonary fibrosis and/or bone marrow failure, Telomere-related, 4. Last evaluated: 2025-11-24. Review status: criteria provided, single submitter. Criteria: Invitae Variant Classification Sherloc (09022015). Collection method: clinical testing. Allele origin: germline.
Comment: This sequence change replaces alanine, which is neutral and non-polar, with serine, which is neutral and polar, at codon 156 of the PARN protein (p.Ala156Ser). This variant is present in population databases (rs200103366, gnomAD 0.07%). This variant has not been reported in the literature in individuals affected with PARN-related conditions. ClinVar contains an entry for this variant (Variation ID: 569031). An algorithm developed to predict the effect of missense changes on protein structure and function (PolyPhen-2) suggests that this variant is likely to be tolerated. In summary, the available evidence is currently insufficient to determine the role of this variant in disease. Therefore, it has been classified as a Variant of Uncertain Significance.

Laboratory of Genetics, Children's Clinical University Hospital Latvia
Classification: Likely benign. Last evaluated: 2025-02-16. Review status: criteria provided, single submitter. Criteria: ACMG Guidelines, 2015. Collection method: clinical testing. Allele origin: germline. Affected: yes.

Johns Hopkins Genomics, Johns Hopkins University
Classification: Likely benign for Primary ciliary dyskinesia 20. Last evaluated: 2025-01-23. Review status: criteria provided, single submitter. Criteria: ACMG Guidelines, 2015. Collection method: clinical testing. Allele origin: germline.
Comment: This variant is classified as likely benign (PM2, BS2_supporting, BP4).

Blueprint Genetics
Classification: Uncertain significance. Last evaluated: 2024-11-05. Review status: criteria provided, single submitter. Criteria: ACMG Guidelines, 2015. Collection method: clinical testing. Allele origin: germline.

Genetic Services Laboratory, University of Chicago
Classification: Uncertain significance. Last evaluated: 2021-09-17. Review status: criteria provided, single submitter. Criteria: ACMG Guidelines, 2015. Collection method: clinical testing. Allele origin: germline. Affected: no.
Comment: DNA sequence analysis of the PARN gene demonstrated a sequence change, c.466G>T, in exon 7 that results in an amino acid change, p.Ala156Ser. This sequence change has been described in the gnomAD database with a frequency of 0.069% in the non-Finnish European subpopulation (dbSNP rs200103366). The p.Ala156Ser change affects a highly conserved amino acid residue located in a domain of the PARN protein that is known to be functional. The p.Ala156Ser substitution appears to be benign using several in-silico pathogenicity prediction tools (SIFT, PolyPhen2, Align GVGD, REVEL). This sequence change does not appear to have been previously described in individuals with PARN-related disorders. Due to insufficient evidences and the lack of functional studies, the clinical significance of the p.Ala156Ser change remains unknown at this time.

Baylor Genetics
Classification: Uncertain significance for Dyskeratosis congenita, autosomal recessive 6. Last evaluated: 2018-03-21. Review status: criteria provided, single submitter. Criteria: ACMG Guidelines, 2015. Collection method: clinical testing. Allele origin: maternal. Affected: yes.
Comment: This variant was determined to be of uncertain significance according to ACMG Guidelines, 2015 [PMID:25741868].

NM_002582.4(PARN):c.466G>T (p.Ala156Ser)

Gene: PARN (poly(A)-specific ribonuclease; minus strand). Cytogenetic location: 16p13.12.
Variant type: single nucleotide variant.
Coding change: c.466G>T on transcript NM_002582.4 (MANE Select); coding-DNA position 466, G replaced by T.
Protein change: p.Ala156Ser; replaces alanine 156 with serine.
Molecular consequence: missense variant.
Genome position (GRCh38, 1-based): chr16:14,610,732, C>A on the plus strand (G>T on the coding strand, the complement: PARN is on the minus strand). VCF-style: chr16-14610732-C-A. GRCh37 (hg19) VCF-style: chr16-14704589-C-A.
Other names: c.283G>T, p.Ala95Ser (NM_001134477.3); c.328G>T, p.Ala110Ser (NM_001242992.2); c.466G>T, p.Ala156Ser (LRG_1286t1); short protein forms A156S, A110S, A95S.
Identifiers: ClinVar variation 569031 (VCV000569031.41), dbSNP rs200103366, ClinGen allele CA7912411.
Genomic context (GRCh38, chr16:14,610,732, plus strand): 5'-CCTCAGGAATCGTGACAGGACATTTTGAAGTGTTAGGAGATACATAGGACAGAGCTCCTG[C>A]ACCATTCGCCTGTGAACGTTTTTCATCATACTGCTCTCTTAACTGTCTTTCTTCTTCCTG-3'
Protein context (NP_002573.1, residues 146-166): YDEKRSQANG[Ala156Ser]GALSYVSPNT